The following is an entry in ClinVar:

NM_025000.4(DCAF17):c.1097T>A (p.Leu366Ter)

Gene: DCAF17 (DDB1 and CUL4 associated factor 17; plus strand). Cytogenetic location: 2q31.1.
Variant type: single nucleotide variant.
Coding change: c.1097T>A on transcript NM_025000.4 (MANE Select); coding-DNA position 1097, T replaced by A.
Protein change: p.Leu366Ter; replaces leucine 366 with a stop codon.
Molecular consequence: nonsense. On other transcripts: non-coding transcript variant (1), intron variant (1).
Genome position (GRCh38, 1-based): chr2:171,476,865, T>A. VCF-style: chr2-171476865-T-A. GRCh37 (hg19) VCF-style: chr2-172333375-T-A.
Other names: c.982-1122T>A (NM_001164821.2); short protein forms L366*.
Identifiers: ClinVar variation 2863695 (VCV002863695.3), dbSNP rs2529794608, ClinGen allele CA349278970.
Genomic context (GRCh38, chr2:171,476,865, plus strand): 5'-CACCTTGATGGTGTTTTGAAGTCTTAGGTTCTCAGAATCCTTTTTCCCTTCTCAGAGTTT[T>A]GAAGCTAACTGAAATAGAAAATAATAGTTCTCAGCATCAGATCTCTGAAGATTTTGTCAT-3'

ClinVar aggregate classification (germline): Pathogenic (1 of 4 stars; one submission).

Conditions:
Woodhouse-Sakati syndrome. Also called: Hypogonadism, Alopecia, Diabetes Mellitus, Mental Retardation, and Extrapyramidal Syndrome; Hypogonadism, diabetes mellitus, alopecia, mental retardation and electrocardiographic abnormalities; EXTRAPYRAMIDAL DISORDER, PROGRESSIVE, WITH PRIMARY HYPOGONADISM, MENTAL RETARDATION, AND ALOPECIA. Identifiers: Orphanet 3464, MedGen C0342286, MONDO:0009419, OMIM 241080.

Submission:

Labcorp Genetics (formerly Invitae), Labcorp
Classification: Pathogenic for Woodhouse-Sakati syndrome. Last evaluated: 2023-05-12. Review status: criteria provided, single submitter. Criteria: Invitae Variant Classification Sherloc (09022015). Collection method: clinical testing. Allele origin: germline.
Comment: For these reasons, this variant has been classified as Pathogenic. Algorithms developed to predict the effect of sequence changes on RNA splicing suggest that this variant may disrupt the consensus splice site. This variant has not been reported in the literature in individuals affected with DCAF17-related conditions. This variant is not present in population databases (gnomAD no frequency). This sequence change creates a premature translational stop signal (p.Leu366*) in the DCAF17 gene. It is expected to result in an absent or disrupted protein product. Loss-of-function variants in DCAF17 are known to be pathogenic (PMID: 19026396, 20507343).

Literature cited by the submitters: PubMed 19026396; PubMed 20507343.